The following is an entry in ClinVar:

ClinVar aggregate classification (germline): Conflicting classifications of pathogenicity. Review status: criteria provided, conflicting classifications (1 of 4 stars). 2 submissions from 2 submitters: Uncertain significance (1); Likely benign (1). Last evaluated 2025-08-04.

Allele frequency attached by ClinVar (database versions not stated): gnomAD 0.00212; TOPMed 0.00212; 1000 Genomes Project 0.00240; gnomAD exomes 0.00046; ExAC 0.00060; ESP Exome Variant Server 0.00169.
gnomAD v4.1: 631 of 1,614,164 alleles (0.039%); highest among the groups gnomAD compares: African/African-American, 0.67%; 1 homozygote.

Submissions (2):

Ambry Genetics
Classification: Uncertain significance. Last evaluated: 2025-08-04. Review status: criteria provided, single submitter. Criteria: Ambry Variant Classification Scheme 2023. Collection method: clinical testing. Allele origin: germline.

GeneDx
Classification: Likely benign. Last evaluated: 2018-02-22. Review status: criteria provided, single submitter. Criteria: GeneDx Variant Classification (06012015). Collection method: clinical testing. Allele origin: germline. Affected: yes.
Comment: This variant is considered likely benign or benign based on one or more of the following criteria: it is a conservative change, it occurs at a poorly conserved position in the protein, it is predicted to be benign by multiple in silico algorithms, and/or has population frequency not consistent with disease.

NM_001347995.2(ENTREP1):c.1658C>T (p.Ser553Leu)

Gene: ENTREP1 (endosomal transmembrane epsin interactor 1; plus strand). Cytogenetic location: 9q21.12.
Variant type: single nucleotide variant.
Coding change: c.1658C>T on transcript NM_001347995.2 (MANE Select); coding-DNA position 1658, C replaced by T.
Protein change: p.Ser553Leu; replaces serine 553 with leucine.
Molecular consequence: missense variant.
Genome position (GRCh38, 1-based): chr9:69,391,650, C>T. VCF-style: chr9-69391650-C-T. GRCh37 (hg19) VCF-style: chr9-72006566-C-T.
Other names: c.1199C>T, p.Ser400Leu (NM_001127608.3, NM_004816.5); c.1199C>T (NM_004816.3); short protein forms S400L, S553L.
Identifiers: ClinVar variation 514985 (VCV000514985.3), dbSNP rs140208683, ClinGen allele CA5074553.